The following is an entry in ClinVar:

ClinVar aggregate classification (germline): Uncertain significance (1 of 4 stars; one submission).

Submission:

GeneDx
Classification: Uncertain significance. Last evaluated: 2026-02-02. Review status: criteria provided, single submitter. Criteria: GeneDx Variant Classification Process June 2021. Collection method: clinical testing. Allele origin: germline.
Comment: Not observed at significant frequency in large population cohorts (gnomAD); Has not been previously published as pathogenic or benign to our knowledge; In-frame duplication/insertion of 1 amino acid(s) in a non-repeat region

NM_001184880.2(PCDH19):c.238CTG[3] (p.Leu81_Val82insLeu)

Gene: PCDH19 (protocadherin 19; minus strand). Cytogenetic location: Xq22.1.
Variant type: Microsatellite.
Coding change: c.238CTG[3] on transcript NM_001184880.2 (MANE Select); three copies in a row of the 3-base unit CTG starting at c.238; the reference has two copies in a row; one copy, 3 bases duplicated.
Protein change: p.Leu81_Val82insLeu.
Genome position (GRCh38, 1-based): chrX:100,408,355-100,408,357, CAG duplicated on the plus strand (CTG on the coding strand, the reverse complement: PCDH19 is on the minus strand); duplicating any 3 consecutive bases within chrX:100,408,355-100,408,360 gives the same sequence; the position shown is the placement nearest the transcript's 3' end. VCF-style (leftmost placement, unchanged base first): chrX-100408354-C-CCAG. GRCh37 (hg19) VCF-style: chrX-99663352-C-CCAG.
Other names: c.238CTG[3], p.Leu81_Val82insLeu (NM_001105243.2, NM_020766.3).
Identifiers: ClinVar variation 3364016 (VCV003364016.2).